The following is an entry in ClinVar:

NM_004370.6(COL12A1):c.8813G>T (p.Arg2938Leu)

Gene: COL12A1 (collagen type XII alpha 1 chain; minus strand). Cytogenetic location: 6q13.
Variant type: single nucleotide variant.
Coding change: c.8813G>T on transcript NM_004370.6 (MANE Select); coding-DNA position 8813, G replaced by T.
Protein change: p.Arg2938Leu; replaces arginine 2938 with leucine.
Molecular consequence: missense variant.
Genome position (GRCh38, 1-based): chr6:75,090,238, C>A on the plus strand (G>T on the coding strand, the complement: COL12A1 is on the minus strand). VCF-style: chr6-75090238-C-A. GRCh37 (hg19) VCF-style: chr6-75799954-C-A.
Other names: c.5321G>T, p.Arg1774Leu (NM_080645.3); short protein forms R1774L, R2938L.
Identifiers: ClinVar variation 657698 (VCV000657698.9), dbSNP rs752206319, ClinGen allele CA141000606.

ClinVar aggregate classification (germline): Uncertain significance. Review status: criteria provided, multiple submitters, no conflicts (2 of 4 stars). 2 submissions from 2 submitters: Uncertain significance (2). Last evaluated 2026-01-06.

Conditions:
Ullrich congenital muscular dystrophy 2 (UCMD2). Identifiers: Orphanet 75840, MedGen C4225314, MONDO:0014654, OMIM 616470.
Bethlem myopathy 2 (BTHLM2). Identifiers: Orphanet 536516, Orphanet 610, MedGen C4225313, MONDO:0034022, OMIM 616471.

Allele frequency attached by ClinVar (database versions not stated): TOPMed 0.00002.
gnomAD v4.1: 44 of 1,613,716 alleles (0.0027%); highest among the groups gnomAD compares: Non-Finnish European, 0.0036%; no homozygotes.

Submissions (2):

Labcorp Genetics (formerly Invitae), Labcorp
Classification: Uncertain significance for Bethlem myopathy 2; Ullrich congenital muscular dystrophy 2. Last evaluated: 2026-01-06. Review status: criteria provided, single submitter. Criteria: Invitae Variant Classification Sherloc (09022015). Collection method: clinical testing. Allele origin: germline.
Comment: This sequence change replaces arginine, which is basic and polar, with leucine, which is neutral and non-polar, at codon 2938 of the COL12A1 protein (p.Arg2938Leu). This variant is present in population databases (no rsID available, gnomAD 0.002%). This variant has not been reported in the literature in individuals affected with COL12A1-related conditions. ClinVar contains an entry for this variant (Variation ID: 657698). An algorithm developed to predict the effect of missense changes on protein structure and function (PolyPhen-2) suggests that this variant is likely to be disruptive. In summary, the available evidence is currently insufficient to determine the role of this variant in disease. Therefore, it has been classified as a Variant of Uncertain Significance.

GeneDx
Classification: Uncertain significance. Last evaluated: 2023-03-06. Review status: criteria provided, single submitter. Criteria: GeneDx Variant Classification Process June 2021. Collection method: clinical testing. Allele origin: germline. Affected: yes.
Comment: Has not been previously published as pathogenic or benign to our knowledge; Not observed at significant frequency in large population cohorts (gnomAD); In silico analysis supports that this missense variant has a deleterious effect on protein structure/function